The following is an entry in ClinVar:

NM_152419.3(HGSNAT):c.1297A>G (p.Asn433Asp)

Gene: HGSNAT (heparan-alpha-glucosaminide N-acetyltransferase; plus strand). Cytogenetic location: 8p11.21.
Variant type: single nucleotide variant.
Coding change: c.1297A>G on transcript NM_152419.3 (MANE Select); coding-DNA position 1297, A replaced by G.
Protein change: p.Asn433Asp; replaces asparagine 433 with aspartic acid.
Molecular consequence: missense variant.
Genome position (GRCh38, 1-based): chr8:43,192,350, A>G. VCF-style: chr8-43192350-A-G. GRCh37 (hg19) VCF-style: chr8-43047493-A-G.
Other names: c.1297A>G, p.Asn433Asp (NM_001363227.2); c.1105A>G, p.Asn369Asp (NM_001363228.2); c.433A>G, p.Asn145Asp (NM_001363229.2); short protein forms N433D, N145D, N369D.
Identifiers: ClinVar variation 802403 (VCV000802403.10), dbSNP rs371469177, ClinGen allele CA4736837.

ClinVar aggregate classification (germline): Conflicting classifications of pathogenicity. Review status: criteria provided, conflicting classifications (1 of 4 stars). 5 submissions from 5 submitters: Likely pathogenic (1); Uncertain significance (4). Last evaluated 2026-01-17.

Conditions:
Inborn genetic diseases. Identifiers: MedGen C0950123, MeSH D030342.
Retinitis pigmentosa 73 (RP73). Identifiers: Orphanet 791, MedGen C4225287, MONDO:0014687, OMIM 616544.
Mucopolysaccharidosis, MPS-III-C (MPS3C). Also called: SANFILIPPO SYNDROME C; mucopolysaccharidosis type 3C; Mucopolysaccharidosis type IIIC (Sanfilippo C); MPS IIIC (Sanfilippo Syndrome Type C); MUCOPOLYSACCHARIDOSIS, TYPE IIIC; MPS III C. Identifiers: Orphanet 581, Orphanet 79271, MedGen C0086649, MONDO:0009657, OMIM 252930.

Allele frequency attached by ClinVar (database versions not stated): gnomAD exomes 0.00003 and 0.00002; gnomAD 0.00006 and 0.00007; ExAC 0.00006; ESP Exome Variant Server 0.00016; TOPMed 0.00007.

Submissions (5):

Labcorp Genetics (formerly Invitae), Labcorp
Classification: Likely pathogenic for Retinitis pigmentosa 73; Mucopolysaccharidosis, MPS-III-C. Last evaluated: 2026-01-17. Review status: criteria provided, single submitter. Criteria: Invitae Variant Classification Sherloc (09022015). Collection method: clinical testing. Allele origin: germline.
Comment: This sequence change replaces asparagine, which is neutral and polar, with aspartic acid, which is acidic and polar, at codon 433 of the HGSNAT protein (p.Asn433Asp). This variant is present in population databases (rs371469177, gnomAD 0.006%). This missense change has been observed in individual(s) with retinitis pigmentosa (PMID: 37592806; internal data). In at least one individual the data is consistent with being in trans (on the opposite chromosome) from a pathogenic variant. ClinVar contains an entry for this variant (Variation ID: 802403). Invitae Evidence Modeling of protein sequence and biophysical properties (such as structural, functional, and spatial information, amino acid conservation, physicochemical variation, residue mobility, and thermodynamic stability) has been performed for this missense variant. However, the output from this modeling did not meet the statistical confidence thresholds required to predict the impact of this variant on HGSNAT protein function. In summary, the currently available evidence indicates that the variant is pathogenic, but additional data are needed to prove that conclusively. Therefore, this variant has been classified as Likely Pathogenic.

Blueprint Genetics
Classification: Uncertain significance. Last evaluated: 2024-10-04. Review status: criteria provided, single submitter. Criteria: ACMG Guidelines, 2015. Collection method: clinical testing. Allele origin: germline.

Ambry Genetics
Classification: Uncertain significance for Inborn genetic diseases. Last evaluated: 2021-06-21. Review status: criteria provided, single submitter. Criteria: Ambry Variant Classification Scheme 2023. Collection method: clinical testing. Allele origin: germline.

Mendelics
Classification: Uncertain significance for Mucopolysaccharidosis, MPS-III-C. Last evaluated: 2019-05-28. Review status: criteria provided, single submitter. Criteria: Mendelics Assertion Criteria 2017. Collection method: clinical testing. Allele origin: unknown.

Illumina Laboratory Services, Illumina
Classification: Uncertain significance for Mucopolysaccharidosis, MPS-III-C. Last evaluated: 2018-01-13. Review status: criteria provided, single submitter. Criteria: ICSL Variant Classification Criteria 13 December 2019. Collection method: clinical testing. Allele origin: germline.

Literature cited by the submitters: PubMed 37592806 (cited by Labcorp Genetics (formerly Invitae), Labcorp).